The following is an entry in ClinVar:

ClinVar aggregate classification (germline): Conflicting classifications of pathogenicity. Review status: criteria provided, conflicting classifications (1 of 4 stars). 11 submissions from 11 submitters: Uncertain significance (9); Likely benign (1). 1 of the submissions does not count toward it. Last evaluated 2026-01-26.

Conditions:
Hereditary breast ovarian cancer syndrome. Also called: Hereditary breast and ovarian cancer syndrome; Breast and ovarian cancer; Hereditary breast and ovarian cancer; Hereditary breast and ovarian cancer syndrome (HBOC); BRCA1- and BRCA2-Associated Hereditary Breast and Ovarian Cancer; Hereditary breast and/or ovarian cancer syndrome. Identifiers: Orphanet 145, MedGen C0677776, MeSH D061325, MONDO:0003582. Disease mechanism: loss of function.
Breast-ovarian cancer, familial, susceptibility to, 2 (BROVCA2). Also called: BRCA2 Hereditary Breast and Ovarian Cancer. Identifiers: Orphanet 145, MedGen C2675520, MONDO:0012933, OMIM 612555. Disease mechanism: loss of function.
Fanconi anemia complementation group D1. Also called: BRCA2-Related Fanconi Anemia. Identifiers: Orphanet 319462, MedGen C1838457, MONDO:0011584, OMIM 605724.
Medulloblastoma (MDB). Also called: MEDULLOBLASTOMA PREDISPOSITION SYNDROME; Medulloblastoma, somatic. Identifiers: Orphanet 616, MedGen C0025149, MeSH D008527, MONDO:0007959, OMIM 155255, HP:0002885.
Prostate cancer. Also called: Malignant tumor of prostate. Identifiers: Orphanet 1331, MedGen C0376358, MONDO:0008315, HP:0012125.
Familial cancer of breast. Also called: hereditary breast carcinoma; BREAST CANCER, FAMILIAL; Hereditary breast cancer. Identifiers: Orphanet 227535, MedGen C0346153, MONDO:0016419, OMIM 114480. Disease mechanism: loss of function.
Wilms tumor 1 (WT1). Also called: Wilms tumor, somatic. Identifiers: Orphanet 654, MedGen CN033288, MONDO:0008679, OMIM 194070.
Pancreatic cancer, susceptibility to, 2. Identifiers: Orphanet 1333, MedGen C3150546, MONDO:0013235, OMIM 613347.
Glioma susceptibility 3 (GLM3). Also called: Glioblastoma 3. Identifiers: Orphanet 182067, Orphanet 360, MedGen C2751641, MONDO:0013093, OMIM 613029.
Hereditary cancer-predisposing syndrome. Also called: Hereditary neoplastic syndrome; Hereditary Cancer Syndrome; Neoplastic Syndromes, Hereditary; Tumor predisposition. Identifiers: Orphanet 140162, MedGen C0027672, MeSH D009386, MONDO:0015356.

Allele frequency attached by ClinVar (database versions not stated): gnomAD exomes 0.00001 and below 0.00001.
gnomAD v4.1: 2 of 1,614,166 alleles (0.00012%); highest among the groups gnomAD compares: Admixed American, 0.0033%; no homozygotes.

Submissions (11):

Labcorp Genetics (formerly Invitae), Labcorp
Classification: Uncertain significance for Hereditary breast ovarian cancer syndrome. Last evaluated: 2026-01-26. Review status: criteria provided, single submitter. Criteria: Invitae Variant Classification Sherloc (09022015). Collection method: clinical testing. Allele origin: germline.
Comment: This sequence change replaces glutamic acid, which is acidic and polar, with glycine, which is neutral and non-polar, at codon 3177 of the BRCA2 protein (p.Glu3177Gly). This variant is present in population databases (no rsID available, gnomAD 0.006%). This missense change has been observed in individual(s) with cancer (PMID: 15937982, 32522261). This variant is also known as 9758A>G. ClinVar contains an entry for this variant (Variation ID: 230066). Invitae Evidence Modeling of protein sequence and biophysical properties (such as structural, functional, and spatial information, amino acid conservation, physicochemical variation, residue mobility, and thermodynamic stability) indicates that this missense variant is not expected to disrupt BRCA2 protein function with a negative predictive value of 95%. In summary, the available evidence is currently insufficient to determine the role of this variant in disease. Therefore, it has been classified as a Variant of Uncertain Significance.

Women's Health and Genetics/Laboratory Corporation of America, LabCorp
Classification: Uncertain significance. Last evaluated: 2025-10-10. Review status: criteria provided, single submitter. Criteria: LabCorp Variant Classification Summary - May 2015. Collection method: clinical testing. Allele origin: germline.
Comment: Variant summary: BRCA2 c.9530A>G (p.Glu3177Gly) results in a non-conservative amino acid change located in the BRCA2, OB3 (IPR015188) of the encoded protein sequence. Algorithms developed to predict the effect of missense changes on protein structure and function all suggest that this variant is likely to be disruptive. The variant allele was found at a frequency of 8e-06 in 251358 control chromosomes. The available data on variant occurrences in the general population are insufficient to allow any conclusion about variant significance. c.9530A>G has been observed in individual(s) affected with Hereditary Breast And Ovarian Cancer Syndrome, without strong evidence for causality (Velasco_2005, Velazquez_2020, Herzog_2021, Saez_2024). These report(s) do not provide unequivocal conclusions about association of the variant with Hereditary Breast And Ovarian Cancer Syndrome. To our knowledge, no experimental evidence demonstrating an impact on protein function has been reported. The following publications have been ascertained in the context of this evaluation (PMID: 15937982, 32522261, 34413315, 39438962). ClinVar contains an entry for this variant (Variation ID: 230066). Based on the evidence outlined above, the variant was classified as uncertain significance.

Quest Diagnostics Nichols Institute San Juan Capistrano
Classification: Uncertain significance. Last evaluated: 2025-09-02. Review status: criteria provided, single submitter. Criteria: Quest Diagnostics criteria. Collection method: clinical testing. Allele origin: unknown.

GeneDx
Classification: Uncertain significance. Last evaluated: 2025-08-07. Review status: criteria provided, single submitter. Criteria: GeneDx Variant Classification Process June 2021. Collection method: clinical testing. Allele origin: germline. Affected: yes.
Comment: Observed in individuals with personal and/or family history of breast, ovarian, colorectal, or other cancers (PMID: 15937982, 31853058, 32522261, 12228710); In silico analysis suggests that this missense variant does not alter protein structure/function; Not observed at significant frequency in large population cohorts (gnomAD); Also known as 9758A>G; This variant is associated with the following publications: (PMID: 12228710, 32522261, 31853058, 32377563, 29884841, 31911673, 15937982, 39779848)

Ambry Genetics
Classification: Likely benign for Hereditary cancer-predisposing syndrome. Last evaluated: 2025-05-16. Review status: criteria provided, single submitter. Criteria: Ambry Variant Classification Scheme 2023. Collection method: clinical testing. Allele origin: germline.

St. Jude Molecular Pathology, St. Jude Children's Research Hospital
Classification: Uncertain significance for Breast-ovarian cancer, familial, susceptibility to, 2. Last evaluated: 2024-04-12. Review status: criteria provided, single submitter. Criteria: St. Jude Assertion Criteria 2020. Collection method: clinical testing. Allele origin: germline.
Comment: The BRCA2 c.9530A>G (p.Glu3177Gly) missense change has a maximum subpopulation allele frequency of 0.006% in gnomAD v2.1.1. The in silico tool REVEL predicts a deleterious effect on protein function but this prediction has not been confirmed by functional studies. This variant has been reported in a breast cancer family (PMID:15937982). In summary, the evidence currently available is insufficient to determine the clinical significance of this variant. It has therefore been classified as of uncertain significance.

All of Us Research Program, National Institutes of Health
Classification: Uncertain significance for Breast-ovarian cancer, familial, susceptibility to, 2. Last evaluated: 2023-10-06. Review status: criteria provided, single submitter. Criteria: ACMG Guidelines, 2015. Collection method: clinical testing. Allele origin: germline. Inheritance: Autosomal dominant inheritance. Observed: 1 variant allele, 1 heterozygote.
Comment: This missense variant replaces glutamic acid with glycine at codon 3177 of the BRCA2 protein. Computational prediction suggests that this variant may have deleterious impact on protein structure and function (internally defined REVEL score threshold >= 0.7, PMID: 27666373). To our knowledge, functional studies have not been reported for this variant. This variant has been detected in an individual affected with breast cancer and in a family suspected of being affected with hereditary breast and ovarian cancer (PMID: 15937982; Color internal data). This variant has been identified in 2/251358 chromosomes in the general population by the Genome Aggregation Database (gnomAD). The available evidence is insufficient to determine the role of this variant in disease conclusively. Therefore, this variant is classified as a Variant of Uncertain Significance.

This study involves interpretation of variants in research participants for the purpose of population health screening. Participant phenotype was not available at the time of variant classification. Additional details can be found in publication PMID: 35346344, PMCID: PMC8962531

Color Diagnostics, LLC DBA Color Health
Classification: Uncertain significance for Hereditary cancer-predisposing syndrome. Last evaluated: 2023-09-27. Review status: criteria provided, single submitter. Criteria: ACMG Guidelines, 2015. Collection method: clinical testing. Allele origin: germline.
Comment: This missense variant replaces glutamic acid with glycine at codon 3177 of the BRCA2 protein. Computational prediction suggests that this variant may have deleterious impact on protein structure and function (internally defined REVEL score threshold >= 0.7, PMID: 27666373). To our knowledge, functional studies have not been reported for this variant. This variant has been detected in an individual affected with breast cancer and in a family suspected of being affected with hereditary breast and ovarian cancer (PMID: 15937982; Color internal data). This variant has been identified in 2/251358 chromosomes in the general population by the Genome Aggregation Database (gnomAD). The available evidence is insufficient to determine the role of this variant in disease conclusively. Therefore, this variant is classified as a Variant of Uncertain Significance.

Sema4
Classification: Uncertain significance for Hereditary cancer-predisposing syndrome. Last evaluated: 2022-02-23. Review status: criteria provided, single submitter. Criteria: Sema4 Curation Guidelines. Collection method: curation. Allele origin: germline.
Comment: The BRCA2 c.9530A>G (p.E3177G) variant has been reported in heterozygosity in at least 1 individual with breast cancer (PMID: 15937982). It was observed in 2/34582 chromosomes in the Latino population according to the Genome Aggregation Database (PMID: 32461654). This variant has been reported in ClinVar (Variation ID: 230066). In silico tools suggest the impact of the variant on protein function is deleterious, though these predictions have not been confirmed by functional studies. The evidence is insufficient to meet ACMG/AMP criteria for classifying the variant as benign or pathogenic. Thus, the clinical significance of this variant is currently uncertain.

Fulgent Genetics
Classification: Uncertain significance for Familial cancer of breast; Medulloblastoma; Familial prostate cancer; Wilms tumor 1; Fanconi anemia complementation group D1; Breast-ovarian cancer, familial, susceptibility to, 2; Glioma susceptibility 3; Pancreatic cancer, susceptibility to, 2. Last evaluated: 2018-10-31. Review status: criteria provided, single submitter. Criteria: ACMG Guidelines, 2015. Collection method: clinical testing. Allele origin: unknown.

Sharing Clinical Reports Project (SCRP)
Classification: Uncertain significance for Breast-ovarian cancer, familial 2. Last evaluated: 2012-02-02. Review status: no assertion criteria provided. Collection method: clinical testing. Allele origin: germline. Not counted in ClinVar's aggregate classification.

Literature cited by the submitters: PubMed 15937982 (cited by 7 submitters); PubMed 32522261 (cited by 3 submitters); PubMed 34413315 (cited by Women's Health and Genetics/Laboratory Corporation of America, LabCorp); PubMed 39438962 (cited by Women's Health and Genetics/Laboratory Corporation of America, LabCorp); PubMed 31853058 (cited by Quest Diagnostics Nichols Institute San Juan Capistrano); PubMed 31911673 (cited by Quest Diagnostics Nichols Institute San Juan Capistrano).

NM_000059.4(BRCA2):c.9530A>G (p.Glu3177Gly)

Gene: BRCA2 (BRCA2 DNA repair associated; plus strand). Cytogenetic location: 13q13.1.
Variant type: single nucleotide variant.
Coding change: c.9530A>G on transcript NM_000059.4 (MANE Select); coding-DNA position 9530, A replaced by G.
Protein change: p.Glu3177Gly; replaces glutamic acid 3177 with glycine.
Molecular consequence: missense variant.
Genome position (GRCh38, 1-based): chr13:32,396,926, A>G. VCF-style: chr13-32396926-A-G. GRCh37 (hg19) VCF-style: chr13-32971063-A-G.
Other names: 9758A>G; short protein forms E3177G.
Identifiers: ClinVar variation 230066 (VCV000230066.32), dbSNP rs876658365, ClinGen allele CA10579835.